The following is an entry in ClinVar:

NM_001206927.2(DNAH8):c.8842C>T (p.Pro2948Ser)

Gene: DNAH8 (dynein axonemal heavy chain 8; plus strand). Cytogenetic location: 6p21.2.
Variant type: single nucleotide variant.
Coding change: c.8842C>T on transcript NM_001206927.2 (MANE Select); coding-DNA position 8842, C replaced by T.
Protein change: p.Pro2948Ser; replaces proline 2948 with serine.
Molecular consequence: missense variant.
Genome position (GRCh38, 1-based): chr6:38,896,127, C>T. VCF-style: chr6-38896127-C-T. GRCh37 (hg19) VCF-style: chr6-38863903-C-T.
Other names: c.8191C>T, p.Pro2731Ser (NM_001371.4); short protein forms P2948S, P2731S.
Identifiers: ClinVar variation 525296 (VCV000525296.10), dbSNP rs980617815, ClinGen allele CA137561732.
Genomic context (GRCh38, chr6:38,896,127, plus strand): 5'-GCACATCTTACTCGTGCAGTTGAAGAAAATATTGGCTCTGATGCAGCGTCGTGTATTCTT[C>T]CTGAACCATACTTTGTGGATTTTCTTCGTGAGATGCCAGAACCAACTGGTGATGAACCTG-3'
Protein context (NP_001193856.1, residues 2938-2958): IGSDAASCIL[Pro2948Ser]EPYFVDFLRE

ClinVar aggregate classification (germline): Uncertain significance. Review status: criteria provided, multiple submitters, no conflicts (2 of 4 stars). 2 submissions from 2 submitters: Uncertain significance (2). Last evaluated 2022-03-16.

Conditions:
Primary ciliary dyskinesia. Also called: Ciliary dyskinesia. Identifiers: Orphanet 244, MedGen C0008780, MONDO:0016575, HP:0012265.

Allele frequency attached by ClinVar (database versions not stated): gnomAD 0.00001; gnomAD exomes 0.00001; TOPMed 0.00001.
gnomAD v4.1: 11 of 1,613,482 alleles (0.00068%); highest among the groups gnomAD compares: African/African-American, 0.0013%; no homozygotes.

Submissions (2):

Ambry Genetics
Classification: Uncertain significance. Last evaluated: 2022-03-16. Review status: criteria provided, single submitter. Criteria: Ambry Variant Classification Scheme 2023. Collection method: clinical testing. Allele origin: germline.

Labcorp Genetics (formerly Invitae), Labcorp
Classification: Uncertain significance for Primary ciliary dyskinesia. Last evaluated: 2019-10-19. Review status: criteria provided, single submitter. Criteria: Invitae Variant Classification Sherloc (09022015). Collection method: clinical testing. Allele origin: germline.
Comment: This sequence change replaces proline with serine at codon 2948 of the DNAH8 protein (p.Pro2948Ser). The proline residue is moderately conserved and there is a moderate physicochemical difference between proline and serine. This variant is not present in population databases (ExAC no frequency). This variant has not been reported in the literature in individuals with DNAH8-related disease. Algorithms developed to predict the effect of missense changes on protein structure and function (SIFT, PolyPhen-2, Align-GVGD) all suggest that this variant is likely to be tolerated, but these predictions have not been confirmed by published functional studies and their clinical significance is uncertain. In summary, the available evidence is currently insufficient to determine the role of this variant in disease. Therefore, it has been classified as a Variant of Uncertain Significance.